The following is an entry in ClinVar:

NM_006767.4(LZTR1):c.2117T>G (p.Val706Gly)

Gene: LZTR1 (leucine zipper like post translational regulator 1; plus strand). Cytogenetic location: 22q11.21.
Variant type: single nucleotide variant.
Coding change: c.2117T>G on transcript NM_006767.4 (MANE Select); coding-DNA position 2117, T replaced by G.
Protein change: p.Val706Gly; replaces valine 706 with glycine.
Molecular consequence: missense variant.
Genome position (GRCh38, 1-based): chr22:20,996,010, T>G. VCF-style: chr22-20996010-T-G. GRCh37 (hg19) VCF-style: chr22-21350299-T-G.
Other names: short protein forms V706G.
Identifiers: ClinVar variation 4615619 (VCV004615619.1).
Genomic context (GRCh38, chr22:20,996,010, plus strand): 5'-TCGTTGTCTGCAGCTACTTTGAAGCCATGTTCCGGTCCTTCATGCCCGAAGATGGGCAGG[T>G]GAACATCTCCATCGGGGAGATGGTGCCCAGCAGGCAGGCCTTCGAGTCCATGCTGCGCTA-3'
Protein context (NP_006758.2, residues 696-716): FRSFMPEDGQ[Val706Gly]NISIGEMVPS

ClinVar aggregate classification (germline): Uncertain significance (1 of 4 stars; one submission).

Conditions:
Cardiovascular phenotype. Identifiers: MedGen CN230736.
Hereditary cancer-predisposing syndrome. Also called: Neoplastic Syndromes, Hereditary; Tumor predisposition; Hereditary Cancer Syndrome; Hereditary neoplastic syndrome. Identifiers: Orphanet 140162, MedGen C0027672, MeSH D009386, MONDO:0015356.

Submission:

Ambry Genetics
Classification: Uncertain significance for Cardiovascular phenotype; Hereditary cancer-predisposing syndrome. Last evaluated: 2025-09-28. Review status: criteria provided, single submitter. Criteria: Ambry Variant Classification Scheme 2023. Collection method: clinical testing. Allele origin: germline.
Comment: The p.V706G variant (also known as c.2117T>G), located in coding exon 18 of the LZTR1 gene, results from a T to G substitution at nucleotide position 2117. The valine at codon 706 is replaced by glycine, an amino acid with dissimilar properties. This amino acid position is conserved. In addition, the in silico prediction for this alteration is inconclusive. Based on the available evidence, the clinical significance of this variant remains unclear.